The following is an entry in ClinVar:

ClinVar aggregate classification (germline): Uncertain significance (1 of 4 stars; one submission).

Conditions:
Immunodeficiency 28 (IMD28). Also called: IFNGR2 DEFICIENCY. Identifiers: Orphanet 319547, Orphanet 319574, MedGen C4013947, MONDO:0013953, OMIM 614889.

Allele frequency attached by ClinVar (database versions not stated): gnomAD exomes 0.00002; 1000 Genomes Project 30x 0.00016; 1000 Genomes Project 0.00020.
gnomAD v4.1: 17 of 1,614,136 alleles (0.0011%); highest among the groups gnomAD compares: South Asian, 0.0066%; 1 homozygote.

Submission:

Labcorp Genetics (formerly Invitae), Labcorp
Classification: Uncertain significance for Immunodeficiency 28. Last evaluated: 2022-08-23. Review status: criteria provided, single submitter. Criteria: Invitae Variant Classification Sherloc (09022015). Collection method: clinical testing. Allele origin: germline.
Comment: This sequence change replaces valine, which is neutral and non-polar, with methionine, which is neutral and non-polar, at codon 253 of the IFNGR2 protein (p.Val253Met). This variant is present in population databases (rs191792822, gnomAD 0.006%), including at least one homozygous and/or hemizygous individual. This variant has not been reported in the literature in individuals affected with IFNGR2-related conditions. ClinVar contains an entry for this variant (Variation ID: 1477423). Algorithms developed to predict the effect of missense changes on protein structure and function output the following: SIFT: "Tolerated"; PolyPhen-2: "Benign"; Align-GVGD: "Class C0". The methionine amino acid residue is found in multiple mammalian species, which suggests that this missense change does not adversely affect protein function. In summary, the available evidence is currently insufficient to determine the role of this variant in disease. Therefore, it has been classified as a Variant of Uncertain Significance.

NM_005534.4(IFNGR2):c.757G>A (p.Val253Met)

Genes: IFNGR2 (interferon gamma receptor 2; plus strand), TMEM50B (transmembrane protein 50B; minus strand). Cytogenetic location: 21q22.11.
Variant type: single nucleotide variant.
Coding change: c.757G>A on transcript NM_005534.4 (MANE Select); coding-DNA position 757, G replaced by A.
Protein change: p.Val253Met; replaces valine 253 with methionine.
Molecular consequence: missense variant. On other transcripts: non-coding transcript variant (1).
Genome position (GRCh38, 1-based): chr21:33,432,749, G>A. VCF-style: chr21-33432749-G-A. GRCh37 (hg19) VCF-style: chr21-34805056-G-A.
Other names: c.814G>A, p.Val272Met (NM_001329128.2); short protein forms V253M, V272M.
Identifiers: ClinVar variation 1477423 (VCV001477423.5), dbSNP rs191792822, ClinGen allele CA320124433.
Genomic context (GRCh38, chr21:33,432,749, plus strand): 5'-GTTCACTTTCGTGTCCTCTTTTTAGCCTCCACTGAGCTTCAGCAAGTCATCCTGATCTCC[G>A]TGGGAACATTTTCGTTGCTGTCGGTGCTGGCAGGAGCCTGTTTCTTCCTGGTCCTGAAAT-3'
Protein context (NP_005525.2, residues 243-263): TELQQVILIS[Val253Met]GTFSLLSVLA